The following is an entry in ClinVar:

ClinVar aggregate classification (germline): Uncertain significance (1 of 4 stars; one submission).

Submission:

Labcorp Genetics (formerly Invitae), Labcorp
Classification: Uncertain significance. Last evaluated: 2022-03-18. Review status: criteria provided, single submitter. Criteria: Invitae Variant Classification Sherloc (09022015). Collection method: clinical testing. Allele origin: germline.
Comment: In summary, the available evidence is currently insufficient to determine the role of this variant in disease. Therefore, it has been classified as a Variant of Uncertain Significance. Algorithms developed to predict the effect of missense changes on protein structure and function (SIFT, PolyPhen-2, Align-GVGD) all suggest that this variant is likely to be tolerated. This variant has not been reported in the literature in individuals affected with SPEG-related conditions. This variant is not present in population databases (gnomAD no frequency). This sequence change replaces methionine, which is neutral and non-polar, with leucine, which is neutral and non-polar, at codon 109 of the SPEG protein (p.Met109Leu).

NM_005876.5(SPEG):c.325A>C (p.Met109Leu)

Gene: SPEG (striated muscle enriched protein kinase; plus strand). Cytogenetic location: 2q35.
Variant type: single nucleotide variant.
Coding change: c.325A>C on transcript NM_005876.5 (MANE Select); coding-DNA position 325, A replaced by C.
Protein change: p.Met109Leu; replaces methionine 109 with leucine.
Molecular consequence: missense variant.
Genome position (GRCh38, 1-based): chr2:219,435,302, A>C. VCF-style: chr2-219435302-A-C. GRCh37 (hg19) VCF-style: chr2-220300024-A-C.
Other names: short protein forms M109L.
Identifiers: ClinVar variation 1987879 (VCV001987879.4), dbSNP rs1302086469, ClinGen allele CA350704315.
Genomic context (GRCh38, chr2:219,435,302, plus strand): 5'-GAGCCCAGCTGCCTGTGGCTGCGGCGCTGCGGGGCGCAGGACGCCGGCGTGTACAGCTGC[A>C]TGGCCCAGAACGAGCGGGGCCGGGCCTCCTGCGAGGCGGTGCTCACAGTGCTGGAGGTCG-3'
Protein context (NP_005867.3, residues 99-119): GAQDAGVYSC[Met109Leu]AQNERGRASC